The following is an entry in ClinVar:

NM_007294.4(BRCA1):c.4910C>G (p.Pro1637Arg)

Gene: BRCA1 (BRCA1 DNA repair associated; minus strand). Cytogenetic location: 17q21.31.
Variant type: single nucleotide variant.
Coding change: c.4910C>G on transcript NM_007294.4 (MANE Select); coding-DNA position 4910, C replaced by G.
Protein change: p.Pro1637Arg; replaces proline 1637 with arginine.
Molecular consequence: missense variant. On other transcripts: non-coding transcript variant (1).
Genome position (GRCh38, 1-based): chr17:43,071,004, G>C on the plus strand (C>G on the coding strand, the complement: BRCA1 is on the minus strand). VCF-style: chr17-43071004-G-C. GRCh37 (hg19) VCF-style: chr17-41223021-G-C.
Other names: c.4787C>G, p.Pro1596Arg (NM_001407938.1, NM_001407919.1, NM_001407937.1 and 6 more transcripts); c.4577C>G, p.Pro1526Arg (NM_001407949.1, NM_001407946.1, NM_001407947.1 and 1 more transcripts); c.4574C>G, p.Pro1525Arg (NM_001407950.1, NM_001407951.1, NM_001407952.1 and 3 more transcripts); c.4571C>G, p.Pro1524Arg (NM_001407956.1, NM_001407957.1, NM_001407958.1); c.2303C>G, p.Pro768Arg (NM_001407969.1); c.1667C>G, p.Pro556Arg (NM_001407970.1, NM_001407971.1); c.1664C>G, p.Pro555Arg (NM_001407972.1); c.1601C>G, p.Pro534Arg (NM_001407973.1, NM_001407974.1, NM_001407975.1 and 3 more transcripts); and 70 more; short protein forms P533R, P1637R, P1590R, P1658R, P1341R, P1510R, P1524R, P1525R.
Identifiers: ClinVar variation 865676 (VCV000865676.3), dbSNP rs80357048, ClinGen allele CA10591702.
Genomic context (GRCh38, chr17:43,071,004, plus strand): 5'-AGGCCAGACACCACCATGGACATTCTTTTGTTGACCCTTTCTGTTGAAGCTGTCAATTCT[G>C]GCTTCTCCCTGCTCACACTTTCTTCCATTGCATTATACCCAGCAGTATCAGTAGTATGAG-3'
Protein context (NP_009225.1, residues 1627-1647): AMEESVSREK[Pro1637Arg]ELTASTERVN

Conditions:
Breast-ovarian cancer, familial, susceptibility to, 1 (BROVCA1). Also called: BRCA1 Hereditary Breast and Ovarian Cancer; OVARIAN CANCER, SUSCEPTIBILITY TO. Identifiers: Orphanet 145, MedGen C2676676, MONDO:0011450, OMIM 604370. Disease mechanism: loss of function.

Submission:

Brotman Baty Institute, University of Washington
No classification provided (evidence only). Condition: Breast-ovarian cancer, familial 1. Review status: no classification provided. Collection method: in vitro. Allele origin: not applicable. Functional consequence: functionally_normal.
ClinVar note: "not provided" was previously submitted as the classification for the variant. However, the classification appeared to be based only on an observation of functional data so it was converted to no classification on 2025-07-30.